The following is an entry in ClinVar:

ClinVar aggregate classification (germline): Pathogenic (1 of 4 stars; one submission).

Conditions:
MPI-congenital disorder of glycosylation. Also called: MPI-CDG; CONGENITAL DISORDER OF GLYCOSYLATION, TYPE Ib; CDG Ib; MANNOSEPHOSPHATE ISOMERASE DEFICIENCY; MPI DEFICIENCY; PROTEIN-LOSING ENTEROPATHY-HEPATIC FIBROSIS SYNDROME. Identifiers: Orphanet 79319, MedGen C1865145, MONDO:0011257, OMIM 602579.

Submission:

Myriad Genetics, Inc.
Classification: Pathogenic for MPI-congenital disorder of glycosylation. Last evaluated: 2024-01-29. Review status: criteria provided, single submitter. Criteria: Myriad Autosomal Dominant, Autosomal Recessive and X-Linked Classification Criteria (2023). Collection method: clinical testing. Allele origin: unknown.
Comment: NM_002435.1(MPI):c.387C>A(Y129*) is expected to be pathogenic in the context of congenital disorder of glycosylation, MPI-related. This variant is predicted to lead to an abnormal or absent protein product due to the creation of a premature termination codon in MPI, a gene where loss-of-function variants are known to be pathogenic. Please note: this variant was assessed in the context of healthy population screening.

NM_002435.3(MPI):c.387C>A (p.Tyr129Ter)

Gene: MPI (mannose phosphate isomerase; plus strand). Cytogenetic location: 15q24.1.
Variant type: single nucleotide variant.
Coding change: c.387C>A on transcript NM_002435.3 (MANE Select); coding-DNA position 387, C replaced by A.
Protein change: p.Tyr129Ter; replaces tyrosine 129 with a stop codon.
Molecular consequence: nonsense.
Genome position (GRCh38, 1-based): chr15:74,892,702, C>A. VCF-style: chr15-74892702-C-A. GRCh37 (hg19) VCF-style: chr15-75185043-C-A.
Other names: c.387C>A, p.Tyr129Ter (NM_001289155.2, NM_001289157.2); c.237C>A, p.Tyr79Ter (NM_001289156.2); c.327C>A, p.Tyr109Ter (NM_001330372.2); short protein forms Y109*, Y129*, Y79*.
Identifiers: ClinVar variation 5012688 (VCV005012688.1).